The following is an entry in ClinVar:

NM_001079855.2(GYG2):c.31C>T (p.Leu11=)

Gene: GYG2 (glycogenin 2; plus strand). Cytogenetic location: Xp22.33.
Variant type: single nucleotide variant.
Coding change: c.31C>T on transcript NM_001079855.2 (MANE Select); coding-DNA position 31, C replaced by T.
Protein change: p.Leu11=; no amino-acid change (leucine 11 retained).
Molecular consequence: synonymous variant. On other transcripts: intron variant (1).
Genome position (GRCh38, 1-based): chrX:2,843,236, C>T. VCF-style: chrX-2843236-C-T. GRCh37 (hg19) VCF-style: chrX-2761277-C-T.
Other names: c.31C>T, p.Leu11= (NM_001184702.2); c.124C>T, p.Leu42= (NM_001184703.2, NM_003918.3); c.-316-10744C>T (NM_001184704.2).
Identifiers: ClinVar variation 391216 (VCV000391216.1), dbSNP rs1057524007, ClinGen allele CA16608873.

ClinVar aggregate classification (germline): Likely benign (1 of 4 stars; one submission).

Allele frequency attached by ClinVar (database versions not stated): TOPMed 0.00002; gnomAD 0.00003 and 0.00004.
gnomAD v4.1: 4 of 1,203,329 alleles (0.00033%); highest among the groups gnomAD compares: African/African-American, 0.007%; no homozygotes.

Submission:

GeneDx
Classification: Likely benign. Last evaluated: 2016-12-27. Review status: criteria provided, single submitter. Criteria: GeneDx Variant Classification (06012015). Collection method: clinical testing. Allele origin: germline. Affected: yes.
Comment: This variant is considered likely benign or benign based on one or more of the following criteria: it is a conservative change, it occurs at a poorly conserved position in the protein, it is predicted to be benign by multiple in silico algorithms, and/or has population frequency not consistent with disease.